The following is an entry in ClinVar:

NM_177972.3(TUB):c.290G>A (p.Gly97Glu)

Genes: TUB (TUB bipartite transcription factor; plus strand), RIC3 (RIC3 acetylcholine receptor chaperone; minus strand). Cytogenetic location: 11p15.4.
Variant type: single nucleotide variant.
Coding change: c.290G>A on transcript NM_177972.3 (MANE Select); coding-DNA position 290, G replaced by A.
Protein change: p.Gly97Glu; replaces glycine 97 with glutamic acid.
Molecular consequence: missense variant. On other transcripts: non-coding transcript variant (1).
Genome position (GRCh38, 1-based): chr11:8,094,082, G>A. VCF-style: chr11-8094082-G-A. GRCh37 (hg19) VCF-style: chr11-8115629-G-A.
Other names: c.455G>A, p.Gly152Glu (NM_003320.5); short protein forms G97E, G152E.
Identifiers: ClinVar variation 2133510 (VCV002133510.4), dbSNP rs2539220386, ClinGen allele CA379564535.

ClinVar aggregate classification (germline): Uncertain significance (1 of 4 stars; one submission).

Submission:

Labcorp Genetics (formerly Invitae), Labcorp
Classification: Uncertain significance. Last evaluated: 2022-09-06. Review status: criteria provided, single submitter. Criteria: Invitae Variant Classification Sherloc (09022015). Collection method: clinical testing. Allele origin: germline.
Comment: Algorithms developed to predict the effect of missense changes on protein structure and function (SIFT, PolyPhen-2, Align-GVGD) all suggest that this variant is likely to be tolerated. In summary, the available evidence is currently insufficient to determine the role of this variant in disease. Therefore, it has been classified as a Variant of Uncertain Significance. This variant has not been reported in the literature in individuals affected with TUB-related conditions. This variant is not present in population databases (gnomAD no frequency). This sequence change replaces glycine, which is neutral and non-polar, with glutamic acid, which is acidic and polar, at codon 152 of the TUB protein (p.Gly152Glu).